The following is an entry in ClinVar:

ClinVar aggregate classification (germline): Uncertain significance (1 of 4 stars; one submission).

Conditions:
GUCY2D-related disorder. Also called: GUCY2D-related condition.

gnomAD v4.1: 5 of 1,612,758 alleles (0.00031%); highest among the groups gnomAD compares: South Asian, 0.0022%; no homozygotes.

Submission:

PreventionGenetics, part of Exact Sciences
Classification: Uncertain significance for GUCY2D-related condition. Last evaluated: 2026-07-15. Review status: criteria provided, single submitter. Criteria: ACMG Guidelines, 2015. Collection method: clinical testing. Allele origin: germline.
Comment: The GUCY2D c.2921G>C variant is predicted to result in the amino acid substitution p.Arg974Pro. To our knowledge, this variant has not been reported in the literature. This missense variant is predicted to be damaging to the encoded protein (REVEL score >0.773, Ioannidis et al. 2016. PubMed ID: 27666373). This variant is present in 0.0033% of alleles in individuals of South Asian descent in gnomAD. Although we suspect that this variant may be pathogenic, at this time, the clinical significance of this variant is uncertain due to the absence of conclusive functional and genetic evidence.

NM_000180.4(GUCY2D):c.2921G>C (p.Arg974Pro)

Gene: GUCY2D (guanylate cyclase 2D, retinal; plus strand). Cytogenetic location: 17p13.1.
Variant type: single nucleotide variant.
Coding change: c.2921G>C on transcript NM_000180.4 (MANE Select); coding-DNA position 2921, G replaced by C.
Protein change: p.Arg974Pro; replaces arginine 974 with proline.
Molecular consequence: missense variant.
Genome position (GRCh38, 1-based): chr17:8,015,479, G>C. VCF-style: chr17-8015479-G-C. GRCh37 (hg19) VCF-style: chr17-7918797-G-C.
Other names: short protein forms R974P.
Identifiers: ClinVar variation 5001452 (VCV005001452.1).
Genomic context (GRCh38, chr17:8,015,479, plus strand): 5'-TGGACATCCTCAGTGCCGTGGGCACTTTCCGCATGCGCCATATGCCTGAGGTTCCCGTGC[G>C]CATCCGCATAGGCCTGCACTCGGGTAACTCCCGGGTCTTCCCAGGCTCCAGCCCATCTCC-3'
Protein context (NP_000171.1, residues 964-984): RMRHMPEVPV[Arg974Pro]IRIGLHSGPC